The following is an entry in ClinVar:

ClinVar aggregate classification (germline): Uncertain significance (1 of 4 stars; one submission).

Allele frequency attached by ClinVar (database versions not stated): gnomAD 0.00001.
gnomAD v4.1: 1 of 1,613,620 alleles (0.000062%); highest among the groups gnomAD compares: African/African-American, 0.0013%; no homozygotes.

Submission:

Women's Health and Genetics/Laboratory Corporation of America, LabCorp
Classification: Uncertain significance. Last evaluated: 2022-06-20. Review status: criteria provided, single submitter. Criteria: LabCorp Variant Classification Summary - May 2015. Collection method: clinical testing. Allele origin: germline.
Comment: Variant summary: TTN c.78934T>G (p.Tyr26312Asp) results in a non-conservative amino acid change located in the A-band region of the encoded protein sequence. Five of five in-silico tools predict a damaging effect of the variant on protein function. The variant was absent in 248788 control chromosomes (gnomAD v2.1, exomes dataset). The available data on variant occurrences in the general population are insufficient to allow any conclusion about variant significance. To our knowledge, no occurrence of c.78934T>G in individuals affected with Limb-Girdle Muscular Dystrophy, Type 2J and no experimental evidence demonstrating its impact on protein function have been reported. No clinical diagnostic laboratories have submitted clinical-significance assessments for this variant to ClinVar after 2014. Based on the evidence outlined above, the variant was classified as uncertain significance.

NM_001267550.2(TTN):c.86638T>G (p.Tyr28880Asp)

Genes: TTN (titin; minus strand), TTN-AS1 (TTN antisense RNA 1; plus strand). Cytogenetic location: 2q31.2.
Variant type: single nucleotide variant.
Coding change: c.86638T>G on transcript NM_001267550.2 (MANE Select); coding-DNA position 86638, T replaced by G.
Protein change: p.Tyr28880Asp; replaces tyrosine 28880 with aspartic acid.
Molecular consequence: missense variant.
Genome position (GRCh38, 1-based): chr2:178,559,494, A>C on the plus strand (T>G on the coding strand, the complement: TTN is on the minus strand). VCF-style: chr2-178559494-A-C. GRCh37 (hg19) VCF-style: chr2-179424221-A-C.
Other names: c.81715T>G, p.Tyr27239Asp (NM_001256850.1); c.59443T>G, p.Tyr19815Asp (NM_003319.4); c.78934T>G, p.Tyr26312Asp (NM_133378.4); c.59818T>G, p.Tyr19940Asp (NM_133432.3); c.60019T>G, p.Tyr20007Asp (NM_133437.4); short protein forms Y19815D, Y19940D, Y20007D, Y26312D, Y27239D, Y28880D.
Identifiers: ClinVar variation 1698598 (VCV001698598.1), dbSNP rs1244106142, ClinGen allele CA349542489.